The following is an entry in ClinVar:

NM_001737.5(C9):c.1580del (p.Leu527fs)

Gene: C9 (complement C9; minus strand). Cytogenetic location: 5p13.1.
Variant type: Deletion.
Coding change: c.1580del on transcript NM_001737.5 (MANE Select); coding-DNA position 1580, one base deleted (T; older notation c.1580delT).
Protein change: p.Leu527fs; shifts the reading frame from leucine 527.
Molecular consequence: frameshift variant.
Genome position (GRCh38, 1-based): chr5:39,288,788, A deleted on the plus strand (T on the coding strand, the reverse complement: C9 is on the minus strand); the first of 3 consecutive A bases (chr5:39,288,788-39,288,790); deleting any one gives the same sequence. VCF-style (leftmost placement, unchanged base first): chr5-39288787-CA-C. GRCh37 (hg19) VCF-style: chr5-39288889-CA-C.
Other names: short protein forms L527fs.
Identifiers: ClinVar variation 1965883 (VCV001965883.5), dbSNP rs2479154963, ClinGen allele CA2580073278.

ClinVar aggregate classification (germline): Uncertain significance (1 of 4 stars; one submission).

Submission:

Labcorp Genetics (formerly Invitae), Labcorp
Classification: Uncertain significance. Last evaluated: 2022-02-08. Review status: criteria provided, single submitter. Criteria: Invitae Variant Classification Sherloc (09022015). Collection method: clinical testing. Allele origin: germline.
Comment: In summary, the available evidence is currently insufficient to determine the role of this variant in disease. Therefore, it has been classified as a Variant of Uncertain Significance. Experimental studies and prediction algorithms are not available or were not evaluated, and the functional significance of this variant is currently unknown. This variant has not been reported in the literature in individuals affected with C9-related conditions. This variant is not present in population databases (gnomAD no frequency). This sequence change creates a premature translational stop signal (p.Leu527Cysfs*27) in the C9 gene. While this is not anticipated to result in nonsense mediated decay, it is expected to disrupt the last 33 amino acid(s) of the C9 protein.